The following is an entry in ClinVar:

ClinVar aggregate classification (germline): Uncertain significance. Review status: criteria provided, multiple submitters, no conflicts (2 of 4 stars). 2 submissions from 2 submitters: Uncertain significance (2). Last evaluated 2023-10-09.

Conditions:
Cardiovascular phenotype. Identifiers: MedGen CN230736.
Catecholaminergic polymorphic ventricular tachycardia 1. Also called: VENTRICULAR TACHYCARDIA, CATECHOLAMINERGIC POLYMORPHIC, 1, WITH OR WITHOUT ATRIAL DYSFUNCTION AND/OR DILATED CARDIOMYOPATHY; VENTRICULAR TACHYCARDIA, STRESS-INDUCED POLYMORPHIC 1; RYR2-Related Catecholaminergic Polymorphic Ventricular Tachycardia. Identifiers: Orphanet 3286, MedGen C1631597, MONDO:0011484, OMIM 604772.

Allele frequency attached by ClinVar (database versions not stated): gnomAD exomes below 0.00001.
gnomAD v4.1: 3 of 1,536,680 alleles (0.0002%); highest among the groups gnomAD compares: Non-Finnish European, 0.00026%; no homozygotes.

Submissions (2):

Labcorp Genetics (formerly Invitae), Labcorp
Classification: Uncertain significance for Catecholaminergic polymorphic ventricular tachycardia 1. Last evaluated: 2023-10-09. Review status: criteria provided, single submitter. Criteria: Invitae Variant Classification Sherloc (09022015). Collection method: clinical testing. Allele origin: germline.
Comment: This sequence change falls in intron 85 of the RYR2 gene. It does not directly change the encoded amino acid sequence of the RYR2 protein. It affects a nucleotide within the consensus splice site. This variant is not present in population databases (gnomAD no frequency). This variant has not been reported in the literature in individuals affected with RYR2-related conditions. ClinVar contains an entry for this variant (Variation ID: 1735040). Variants that disrupt the consensus splice site are a relatively common cause of aberrant splicing (PMID: 17576681, 9536098). Algorithms developed to predict the effect of sequence changes on RNA splicing suggest that this variant may create or strengthen a splice site. In summary, the available evidence is currently insufficient to determine the role of this variant in disease. Therefore, it has been classified as a Variant of Uncertain Significance.

Ambry Genetics
Classification: Uncertain significance for Cardiovascular phenotype. Last evaluated: 2020-12-08. Review status: criteria provided, single submitter. Criteria: Ambry Variant Classification Scheme 2023. Collection method: clinical testing. Allele origin: germline.
Comment: The c.11557+3T>C intronic variant results from a T to C substitution 3 nucleotides after coding exon 85 in the RYR2 gene. This nucleotide position is not well conserved in available vertebrate species. In silico splice site analysis for this alteration is inconclusive. Since supporting evidence is limited at this time, the clinical significance of this alteration remains unclear.

Literature cited by the submitters: PubMed 17576681 (cited by Labcorp Genetics (formerly Invitae), Labcorp); PubMed 9536098 (cited by Labcorp Genetics (formerly Invitae), Labcorp).

NM_001035.3(RYR2):c.11557+3T>C

Gene: RYR2 (ryanodine receptor 2; plus strand). Cytogenetic location: 1q43.
Variant type: single nucleotide variant.
Coding change: c.11557+3T>C on transcript NM_001035.3 (MANE Select); 3 bases into the intron after coding-DNA position 11557, T replaced by C.
Molecular consequence: intron variant.
Genome position (GRCh38, 1-based): chr1:237,770,890, T>C. VCF-style: chr1-237770890-T-C. GRCh37 (hg19) VCF-style: chr1-237934190-T-C.
Identifiers: ClinVar variation 1735040 (VCV001735040.5), dbSNP rs1347711575, ClinGen allele CA733324017.